The following is an entry in ClinVar:

ClinVar aggregate classification (germline): Uncertain significance (1 of 4 stars; one submission).

Conditions:
Familial cancer of breast. Also called: Hereditary breast cancer; hereditary breast carcinoma; BREAST CANCER, FAMILIAL. Identifiers: Orphanet 227535, MedGen C0346153, MONDO:0016419, OMIM 114480. Disease mechanism: loss of function.

Submission:

Labcorp Genetics (formerly Invitae), Labcorp
Classification: Uncertain significance for Familial cancer of breast. Last evaluated: 2023-01-31. Review status: criteria provided, single submitter. Criteria: Invitae Variant Classification Sherloc (09022015). Collection method: clinical testing. Allele origin: germline.
Comment: Variants that disrupt the consensus splice site are a relatively common cause of aberrant splicing (PMID: 17576681, 9536098). Algorithms developed to predict the effect of sequence changes on RNA splicing suggest that this variant may disrupt the consensus splice site. ClinVar contains an entry for this variant (Variation ID: 948729). This variant has not been reported in the literature in individuals affected with BARD1-related conditions. This variant is not present in population databases (gnomAD no frequency). This sequence change falls in intron 1 of the BARD1 gene. It does not directly change the encoded amino acid sequence of the BARD1 protein. It affects a nucleotide within the consensus splice site. In summary, the available evidence is currently insufficient to determine the role of this variant in disease. Therefore, it has been classified as a Variant of Uncertain Significance.

Literature cited by the submitters: PubMed 17576681; PubMed 9536098.

NM_000465.4(BARD1):c.159-3C>A

Gene: BARD1 (BRCA1 associated RING domain 1; minus strand). Cytogenetic location: 2q35.
Variant type: single nucleotide variant.
Coding change: c.159-3C>A on transcript NM_000465.4 (MANE Select); 3 bases into the intron before coding-DNA position 159, C replaced by A.
Molecular consequence: intron variant.
Genome position (GRCh38, 1-based): chr2:214,797,120, G>T on the plus strand (C>A on the coding strand, the complement: BARD1 is on the minus strand). VCF-style: chr2-214797120-G-T. GRCh37 (hg19) VCF-style: chr2-215661844-G-T.
Other names: c.158+12292C>A (NM_001282548.2); c.159-4675C>A (NM_001282543.2); c.159-3C>A (NM_001282545.2, NM_001282549.2).
Identifiers: ClinVar variation 948729 (VCV000948729.10), dbSNP rs1695796591, ClinGen allele CA1139655687.
Genomic context (GRCh38, chr2:214,797,120, plus strand): 5'-CCTACAGAAGATGTGCTCACATCCTCCTAAACACACAGGCTCTCTCAGAATGTTAGTACT[G>T]TTTGAAGAAATTAAAACAATCAAGATTTGAGTCATTGTTAGATAAACATCTCACACCCAA-3'